The following is an entry in ClinVar:

ClinVar aggregate classification (germline): Likely benign. Review status: criteria provided, multiple submitters, no conflicts (2 of 4 stars). 3 submissions from 3 submitters: Likely benign (3). Last evaluated 2025-09-21.

Allele frequency attached by ClinVar (database versions not stated): gnomAD 0.00001; gnomAD exomes 0.00001.
gnomAD v4.1: 12 of 1,463,798 alleles (0.00082%); highest among the groups gnomAD compares: South Asian, 0.0039%; no homozygotes.

Submissions (3):

Labcorp Genetics (formerly Invitae), Labcorp
Classification: Likely benign. Last evaluated: 2025-09-21. Review status: criteria provided, single submitter. Criteria: Invitae Variant Classification Sherloc (09022015). Collection method: clinical testing. Allele origin: germline.

CeGaT Center for Human Genetics Tuebingen
Classification: Likely benign. Last evaluated: 2025-02-01. Review status: criteria provided, single submitter. Criteria: CeGaT Center For Human Genetics Tuebingen Variant Classification Criteria Version 2. Collection method: clinical testing. Allele origin: germline. Affected: yes. Observed: 1 variant allele.
Comment: GRIN2D: BP4, BP7

Blueprint Genetics
Classification: Likely benign. Last evaluated: 2024-09-24. Review status: criteria provided, single submitter. Criteria: ACMG Guidelines, 2015. Collection method: clinical testing. Allele origin: germline.

NM_000836.4(GRIN2D):c.366C>G (p.Arg122=)

Genes: GRIN2D (glutamate ionotropic receptor NMDA type subunit 2D; plus strand), LOC130064856 (ATAC-STARR-seq lymphoblastoid silent region 10880; plus strand). Cytogenetic location: 19q13.33.
Variant type: single nucleotide variant.
Coding change: c.366C>G on transcript NM_000836.4 (MANE Select); coding-DNA position 366, C replaced by G.
Protein change: p.Arg122=; no amino-acid change (arginine 122 retained).
Molecular consequence: synonymous variant.
Genome position (GRCh38, 1-based): chr19:48,398,758, C>G. VCF-style: chr19-48398758-C-G. GRCh37 (hg19) VCF-style: chr19-48902015-C-G.
Identifiers: ClinVar variation 1656363 (VCV001656363.22), dbSNP rs1482789629, ClinGen allele CA508037682.